The following is an entry in ClinVar:

ClinVar aggregate classification (germline): Uncertain significance (1 of 4 stars; one submission).

Conditions:
Hereditary cancer-predisposing syndrome. Also called: Hereditary Cancer Syndrome; Neoplastic Syndromes, Hereditary; Tumor predisposition; Hereditary neoplastic syndrome. Identifiers: Orphanet 140162, MedGen C0027672, MeSH D009386, MONDO:0015356.

Submission:

Ambry Genetics
Classification: Uncertain significance for Hereditary cancer-predisposing syndrome. Last evaluated: 2026-07-21. Review status: criteria provided, single submitter. Criteria: Ambry Variant Classification Scheme 2023. Collection method: clinical testing. Allele origin: germline.
Comment: The p.L798F variant (also known as c.2392C>T), located in coding exon 20 of the EGFR gene, results from a C to T substitution at nucleotide position 2392. The leucine at codon 798 is replaced by phenylalanine, an amino acid with highly similar properties. This amino acid position is highly conserved in available vertebrate species. In addition, this alteration is predicted to be deleterious by in silico analysis. Based on the available evidence, the clinical significance of this variant remains unclear.

NM_005228.5(EGFR):c.2392C>T (p.Leu798Phe)

Genes: EGFR (epidermal growth factor receptor; plus strand), EGFR-AS1 (EGFR antisense RNA 1; minus strand). Cytogenetic location: 7p11.2.
Variant type: single nucleotide variant.
Coding change: c.2392C>T on transcript NM_005228.5 (MANE Select); coding-DNA position 2392, C replaced by T.
Protein change: p.Leu798Phe; replaces leucine 798 with phenylalanine.
Molecular consequence: missense variant. On other transcripts: non-coding transcript variant (1).
Genome position (GRCh38, 1-based): chr7:55,181,401, C>T. VCF-style: chr7-55181401-C-T. GRCh37 (hg19) VCF-style: chr7-55249094-C-T.
Other names: c.2257C>T, p.Leu753Phe (NM_001346897.2, NM_001346899.2); c.2392C>T, p.Leu798Phe (NM_001346898.2); c.2233C>T, p.Leu745Phe (NM_001346900.2); c.1591C>T, p.Leu531Phe (NM_001346941.2); short protein forms L798F, L753F, L531F, L745F.
Identifiers: ClinVar variation 5035796 (VCV005035796.1).